The following is an entry in ClinVar:

ClinVar aggregate classification (germline): Uncertain significance. Review status: criteria provided, multiple submitters, no conflicts (2 of 4 stars). 2 submissions from 2 submitters: Uncertain significance (2). Last evaluated 2025-12-14.

Conditions:
Hereditary cancer-predisposing syndrome. Also called: Neoplastic Syndromes, Hereditary; Tumor predisposition; Hereditary Cancer Syndrome; Hereditary neoplastic syndrome. Identifiers: Orphanet 140162, MedGen C0027672, MeSH D009386, MONDO:0015356.
Gastrointestinal stromal tumor. Also called: Gastrointestinal stromal tumor, somatic; Gastrointestinal stroma tumor. Identifiers: Orphanet 44890, MedGen C0238198, MeSH D046152, MONDO:0011719, OMIM 606764, HP:0100723.

gnomAD v4.1: 1 of 1,614,074 alleles (0.000062%); highest among the groups gnomAD compares: Non-Finnish European, 0.000085%; no homozygotes.

Submissions (2):

Labcorp Genetics (formerly Invitae), Labcorp
Classification: Uncertain significance for Gastrointestinal stromal tumor. Last evaluated: 2025-12-14. Review status: criteria provided, single submitter. Criteria: Invitae Variant Classification Sherloc (09022015). Collection method: clinical testing. Allele origin: germline.
Comment: This sequence change replaces isoleucine, which is neutral and non-polar, with phenylalanine, which is neutral and non-polar, at codon 476 of the PDGFRA protein (p.Ile476Phe). This variant is not present in population databases (gnomAD no frequency). This variant has not been reported in the literature in individuals affected with PDGFRA-related conditions. ClinVar contains an entry for this variant (Variation ID: 655499). An algorithm developed to predict the effect of missense changes on protein structure and function outputs the following: PolyPhen-2: "Benign". The phenylalanine amino acid residue is found in multiple mammalian species, which suggests that this missense change does not adversely affect protein function. In summary, the available evidence is currently insufficient to determine the role of this variant in disease. Therefore, it has been classified as a Variant of Uncertain Significance.

Ambry Genetics
Classification: Uncertain significance for Hereditary cancer-predisposing syndrome. Last evaluated: 2025-04-11. Review status: criteria provided, single submitter. Criteria: Ambry Variant Classification Scheme 2023. Collection method: clinical testing. Allele origin: germline.
Comment: The p.I476F variant (also known as c.1426A>T), located in coding exon 9 of the PDGFRA gene, results from an A to T substitution at nucleotide position 1426. The isoleucine at codon 476 is replaced by phenylalanine, an amino acid with highly similar properties. This amino acid position is conserved. In addition, this alteration is predicted to be tolerated by in silico analysis. Since supporting evidence is limited at this time, the clinical significance of this alteration remains unclear.

NM_006206.6(PDGFRA):c.1426A>T (p.Ile476Phe)

Gene: PDGFRA (platelet derived growth factor receptor alpha; plus strand). Cytogenetic location: 4q12.
Variant type: single nucleotide variant.
Coding change: c.1426A>T on transcript NM_006206.6 (MANE Select); coding-DNA position 1426, A replaced by T.
Protein change: p.Ile476Phe; replaces isoleucine 476 with phenylalanine.
Molecular consequence: missense variant.
Genome position (GRCh38, 1-based): chr4:54,273,598, A>T. VCF-style: chr4-54273598-A-T. GRCh37 (hg19) VCF-style: chr4-55139765-A-T.
Other names: c.1426A>T, p.Ile476Phe (NM_001347827.2, NM_001347829.2); c.1501A>T, p.Ile501Phe (NM_001347828.2); c.1465A>T, p.Ile489Phe (NM_001347830.2); short protein forms I476F, I489F, I501F.
Identifiers: ClinVar variation 655499 (VCV000655499.14), dbSNP rs1329845160, ClinGen allele CA356892543.